The following is an entry in ClinVar:

ClinVar aggregate classification (germline): Uncertain significance. Review status: criteria provided, multiple submitters, no conflicts (2 of 4 stars). 2 submissions from 2 submitters: Uncertain significance (2). Last evaluated 2024-01-16.

Allele frequency attached by ClinVar (database versions not stated): gnomAD exomes 0.00004 and 0.00006; ExAC 0.00014; 1000 Genomes Project 30x 0.00016; 1000 Genomes Project 0.00020; gnomAD 0.00053 and 0.00059; TOPMed 0.00067.
gnomAD v4.1: 141 of 1,533,184 alleles (0.0092%); highest among the groups gnomAD compares: African/African-American, 0.16%; no homozygotes.

Submissions (2):

Ambry Genetics
Classification: Uncertain significance. Last evaluated: 2024-01-16. Review status: criteria provided, single submitter. Criteria: Ambry Variant Classification Scheme 2023. Collection method: clinical testing. Allele origin: germline.

GeneDx
Classification: Uncertain significance. Last evaluated: 2022-02-16. Review status: criteria provided, single submitter. Criteria: GeneDx Variant Classification Process June 2021. Collection method: clinical testing. Allele origin: germline. Affected: yes.
Comment: In silico analysis supports that this missense variant has a deleterious effect on protein structure/function; Has not been previously published as pathogenic or benign to our knowledge

NM_173651.4(FSIP2):c.14054G>A (p.Cys4685Tyr)

Gene: FSIP2 (fibrous sheath interacting protein 2; plus strand). Cytogenetic location: 2q32.1.
Variant type: single nucleotide variant.
Coding change: c.14054G>A on transcript NM_173651.4 (MANE Select); coding-DNA position 14054, G replaced by A.
Protein change: p.Cys4685Tyr; replaces cysteine 4685 with tyrosine.
Molecular consequence: missense variant.
Genome position (GRCh38, 1-based): chr2:185,803,360, G>A. VCF-style: chr2-185803360-G-A. GRCh37 (hg19) VCF-style: chr2-186668087-G-A.
Other names: c.14321G>A (NM_173651.2); short protein forms C4685Y.
Identifiers: ClinVar variation 1702722 (VCV001702722.3), dbSNP rs533002747, ClinGen allele CA2017058.